The following is an entry in ClinVar:

ClinVar aggregate classification (germline): Uncertain significance (1 of 4 stars; one submission).

Submission:

Labcorp Genetics (formerly Invitae), Labcorp
Classification: Uncertain significance. Last evaluated: 2022-07-02. Review status: criteria provided, single submitter. Criteria: Invitae Variant Classification Sherloc (09022015). Collection method: clinical testing. Allele origin: germline.
Comment: In summary, the available evidence is currently insufficient to determine the role of this variant in disease. Therefore, it has been classified as a Variant of Uncertain Significance. Advanced modeling of protein sequence and biophysical properties (such as structural, functional, and spatial information, amino acid conservation, physicochemical variation, residue mobility, and thermodynamic stability) performed at Invitae indicates that this missense variant is not expected to disrupt NEFH protein function. This variant has not been reported in the literature in individuals affected with NEFH-related conditions. This variant is present in population databases (rs165602, gnomAD 0.006%). This sequence change replaces glutamic acid, which is acidic and polar, with valine, which is neutral and non-polar, at codon 805 of the NEFH protein (p.Glu805Val).

NM_021076.4(NEFH):c.2414A>T (p.Glu805Val)

Gene: NEFH (neurofilament heavy chain; plus strand). Cytogenetic location: 22q12.2.
Variant type: single nucleotide variant.
Coding change: c.2414A>T on transcript NM_021076.4 (MANE Select); coding-DNA position 2414, A replaced by T.
Protein change: p.Glu805Val; replaces glutamic acid 805 with valine.
Molecular consequence: missense variant.
Genome position (GRCh38, 1-based): chr22:29,490,054, A>T. VCF-style: chr22-29490054-A-T. GRCh37 (hg19) VCF-style: chr22-29886043-A-T.
Other names: short protein forms E805V.
Identifiers: ClinVar variation 2427859 (VCV002427859.6), dbSNP rs165602, ClinGen allele CA10174425.